The following is an entry in ClinVar:

ClinVar aggregate classification (germline): Likely benign. Review status: criteria provided, single submitter (1 of 4 stars). 2 submissions from 2 submitters: Likely benign (1). 1 of the submissions does not count toward it. Last evaluated 2023-05-04.

Conditions:
Paroxysmal nonkinesigenic dyskinesia. Also called: Paroxysmal non-kinesigenic dyskinesia. Identifiers: Orphanet 98810, MedGen C1869117, MONDO:0700088.
PNKD-related disorder. Also called: PNKD-related condition.

Allele frequency attached by ClinVar (database versions not stated): gnomAD exomes 0.00001 and 0.00004; TOPMed 0.00001; ExAC 0.00002.
gnomAD v4.1: 14 of 1,614,092 alleles (0.00087%); highest among the groups gnomAD compares: Admixed American, 0.023%; no homozygotes.

Submissions (2):

Labcorp Genetics (formerly Invitae), Labcorp
Classification: Likely benign for Paroxysmal nonkinesigenic dyskinesia. Last evaluated: 2023-05-04. Review status: criteria provided, single submitter. Criteria: Invitae Variant Classification Sherloc (09022015). Collection method: clinical testing. Allele origin: germline.

PreventionGenetics, part of Exact Sciences
Classification: Likely benign for PNKD-related condition. Last evaluated: 2020-05-21. Review status: no assertion criteria provided. Collection method: clinical testing. Allele origin: germline. Not counted in ClinVar's aggregate classification.
Comment: This variant is classified as likely benign based on ACMG/AMP sequence variant interpretation guidelines (Richards et al. 2015 PMID: 25741868, with internal and published modifications).

NM_015488.5(PNKD):c.492C>T (p.Thr164=)

Genes: CATIP-AS2 (CATIP antisense RNA 2; minus strand), PNKD (PNKD metallo-beta-lactamase domain containing; plus strand). Cytogenetic location: 2q35.
Variant type: single nucleotide variant.
Coding change: c.492C>T on transcript NM_015488.5 (MANE Select); coding-DNA position 492, C replaced by T.
Protein change: p.Thr164=; no amino-acid change (threonine 164 retained).
Molecular consequence: synonymous variant.
Genome position (GRCh38, 1-based): chr2:218,340,754, C>T. VCF-style: chr2-218340754-C-T. GRCh37 (hg19) VCF-style: chr2-219205477-C-T.
Other names: c.420C>T, p.Thr140= (NM_022572.5).
Identifiers: ClinVar variation 697329 (VCV000697329.12), dbSNP rs775533328, ClinGen allele CA2103981.